The following is an entry in ClinVar:

ClinVar aggregate classification (germline): Likely benign (1 of 4 stars; one submission).

gnomAD v4.1: 2,521 of 1,611,332 alleles (0.16%); highest among the groups gnomAD compares: African/African-American, 1.1%; 10 homozygotes.

Submission:

CeGaT Center for Human Genetics Tuebingen
Classification: Likely benign. Last evaluated: 2025-01-01. Review status: criteria provided, single submitter. Criteria: CeGaT Center For Human Genetics Tuebingen Variant Classification Criteria Version 2. Collection method: clinical testing. Allele origin: germline. Affected: yes. Observed: 1 variant allele.
Comment: MUC5B: BP4, BP7, BS1

NM_002458.3(MUC5B):c.13137G>A (p.Thr4379=)

Gene: MUC5B (mucin 5B, oligomeric mucus/gel-forming; plus strand). Cytogenetic location: 11p15.5.
Variant type: single nucleotide variant.
Coding change: c.13137G>A on transcript NM_002458.3 (MANE Select); coding-DNA position 13137, G replaced by A.
Protein change: p.Thr4379=; no amino-acid change (threonine 4379 retained).
Molecular consequence: synonymous variant.
Genome position (GRCh38, 1-based): chr11:1,250,017, G>A. VCF-style: chr11-1250017-G-A. GRCh37 (hg19) VCF-style: chr11-1271247-G-A.
Identifiers: ClinVar variation 3770668 (VCV003770668.13).